The following is an entry in ClinVar:

NM_014845.6(FIG4):c.447-16G>T

Gene: FIG4 (FIG4 phosphoinositide 5-phosphatase; plus strand). Cytogenetic location: 6q21.
Variant type: single nucleotide variant.
Coding change: c.447-16G>T on transcript NM_014845.6 (MANE Select); 16 bases into the intron before coding-DNA position 447, G replaced by T.
Molecular consequence: intron variant.
Genome position (GRCh38, 1-based): chr6:109,732,621, G>T. VCF-style: chr6-109732621-G-T. GRCh37 (hg19) VCF-style: chr6-110053824-G-T.
Identifiers: ClinVar variation 260450 (VCV000260450.42), dbSNP rs200890189, ClinGen allele CA3955795.

ClinVar aggregate classification (germline): Benign/Likely benign. Review status: criteria provided, multiple submitters, no conflicts (2 of 4 stars). 10 submissions from 10 submitters: Benign (3); Likely benign (5). 2 of the submissions do not count toward it. Last evaluated 2026-02-03.

Conditions:
Charcot-Marie-Tooth disease type 4J (CMT4J). Also called: CHARCOT-MARIE-TOOTH DISEASE, AUTOSOMAL RECESSIVE, TYPE 4J; Charcot-Marie-Tooth Neuropathy Type 4J; CHARCOT-MARIE-TOOTH DISEASE, DEMYELINATING, TYPE 4J. Identifiers: Orphanet 139515, MedGen C1970011, MONDO:0012640, OMIM 611228.
Yunis-Varon syndrome (YVS). Also called: Cleidocranial dysplasia, micrognathia, absent thumbs, & distal aphalangia. Identifiers: Orphanet 3472, MedGen C1857663, MONDO:0008995, OMIM 216340.
Bilateral parasagittal parieto-occipital polymicrogyria. Also called: Polymicrogyria, bilateral temporooccipital. Identifiers: Orphanet 208441, MedGen C4013648, MONDO:0012986, OMIM 612691.
Amyotrophic lateral sclerosis type 11 (ALS11). Identifiers: Orphanet 803, MedGen C2675491, MONDO:0012945, OMIM 612577.
Charcot-Marie-Tooth disease. Also called: Charcot-Marie-Tooth Hereditary Neuropathy; Charcot-Marie-Tooth Neuropathy. Identifiers: Orphanet 166, MedGen C0007959, MONDO:0015626.
Charcot-Marie-Tooth disease type 4. Also called: Charcot-Marie-Tooth disease, type IV; Charcot-Marie-Tooth, Type 4. Identifiers: Orphanet 64749, MedGen C4082197, MONDO:0018995.

Allele frequency attached by ClinVar (database versions not stated): ExAC 0.00507; gnomAD 0.00603 and 0.00618; gnomAD exomes 0.00694.
gnomAD v4.1: 6,899 of 1,015,068 alleles (0.68%); highest among the groups gnomAD compares: Non-Finnish European, 0.83%; 33 homozygotes.

Submissions (10):

Labcorp Genetics (formerly Invitae), Labcorp
Classification: Benign for Charcot-Marie-Tooth disease type 4. Last evaluated: 2026-02-03. Review status: criteria provided, single submitter. Criteria: Invitae Variant Classification Sherloc (09022015). Collection method: clinical testing. Allele origin: germline.

CeGaT Center for Human Genetics Tuebingen
Classification: Likely benign. Last evaluated: 2026-02-01. Review status: criteria provided, single submitter. Criteria: CeGaT Center For Human Genetics Tuebingen Variant Classification Criteria Version 2. Collection method: clinical testing. Allele origin: germline. Affected: yes. Observed: 8 variant alleles.
Comment: FIG4: BS2

Blueprint Genetics
Classification: Likely benign. Last evaluated: 2024-11-21. Review status: criteria provided, single submitter. Criteria: ACMG Guidelines, 2015. Collection method: clinical testing. Allele origin: germline.

Fulgent Genetics
Classification: Likely benign for Yunis-Varon syndrome; Charcot-Marie-Tooth disease type 4J; Amyotrophic lateral sclerosis type 11; Bilateral parasagittal parieto-occipital polymicrogyria. Last evaluated: 2022-05-09. Review status: criteria provided, single submitter. Criteria: ACMG Guidelines, 2015. Collection method: clinical testing. Allele origin: unknown.

GeneDx
Classification: Benign. Last evaluated: 2015-03-03. Review status: criteria provided, single submitter. Criteria: GeneDx Variant Classification Process June 2021. Collection method: clinical testing. Allele origin: germline. Affected: yes.

Breakthrough Genomics
Classification: Likely benign. Review status: criteria provided, single submitter. Criteria: ACMG Guidelines, 2015. Collection method: not provided. Allele origin: germline. Inheritance: Autosomal recessive inheritance. Affected: yes.

Molecular Genetics Laboratory, London Health Sciences Centre
Classification: Benign for Charcot-Marie-Tooth disease. Review status: criteria provided, single submitter. Criteria: ACMG Guidelines, 2015. Collection method: clinical testing. Allele origin: germline. Affected: yes.

PreventionGenetics, part of Exact Sciences
Classification: Likely benign. Review status: criteria provided, single submitter. Criteria: ACMG Guidelines, 2015. Collection method: clinical testing. Allele origin: germline.

Clinical Genetics, Academic Medical Center
Classification: Benign. Review status: no assertion criteria provided. Collection method: clinical testing. Allele origin: germline. Affected: yes. Study: VKGL Data-share Consensus. Not counted in ClinVar's aggregate classification.

Genome Diagnostics Laboratory, Amsterdam University Medical Center
Classification: Likely benign. Review status: no assertion criteria provided. Collection method: clinical testing. Allele origin: germline. Affected: yes. Study: VKGL Data-share Consensus. Not counted in ClinVar's aggregate classification.